The following is an entry in ClinVar:

ClinVar aggregate classification (germline): Pathogenic (1 of 4 stars; one submission).

Conditions:
Familial cancer of breast. Also called: Hereditary breast cancer; BREAST CANCER, FAMILIAL; hereditary breast carcinoma. Identifiers: Orphanet 227535, MedGen C0346153, MONDO:0016419, OMIM 114480. Disease mechanism: loss of function.

Submission:

Myriad Genetics, Inc.
Classification: Pathogenic for Familial cancer of breast. Last evaluated: 2023-09-12. Review status: criteria provided, single submitter. Criteria: Myriad Autosomal Dominant, Autosomal Recessive and X-Linked Classification Criteria (2023). Collection method: clinical testing. Allele origin: unknown.
Comment: This variant is considered pathogenic. This variant creates a termination codon and is predicted to result in premature protein truncation.

NM_024675.4(PALB2):c.2297C>A (p.Ser766Ter)

Gene: PALB2 (partner and localizer of BRCA2; minus strand). Cytogenetic location: 16p12.2.
Variant type: single nucleotide variant.
Coding change: c.2297C>A on transcript NM_024675.4 (MANE Select); coding-DNA position 2297, C replaced by A.
Protein change: p.Ser766Ter; replaces serine 766 with a stop codon.
Molecular consequence: nonsense. On other transcripts: intron variant (1).
Genome position (GRCh38, 1-based): chr16:23,629,857, G>T on the plus strand (C>A on the coding strand, the complement: PALB2 is on the minus strand). VCF-style: chr16-23629857-G-T. GRCh37 (hg19) VCF-style: chr16-23641178-G-T.
Other names: c.2237C>A, p.Ser746Ter (NM_001407296.1); c.2297C>A, p.Ser766Ter (NM_001407297.1, NM_001407298.1, NM_001407299.1 and 3 more transcripts); c.1412C>A, p.Ser471Ter (NM_001407304.1, NM_001407305.1, NM_001407306.1 and 5 more transcripts); c.509C>A, p.Ser170Ter (NM_001407312.1, NM_001407313.1); c.49-582C>A (NM_001407314.1); short protein forms S170*, S471*, S746*, S766*.
Identifiers: ClinVar variation 2674043 (VCV002674043.1), dbSNP rs1555460410, ClinGen allele CA395125285.